The following is an entry in ClinVar:

ClinVar aggregate classification (germline): Uncertain significance (1 of 4 stars; one submission).

Conditions:
Genitopatellar syndrome (GTPTS). Also called: ABSENT PATELLAE, SCROTAL HYPOPLASIA, RENAL ANOMALIES, FACIAL DYSMORPHISM, AND MENTAL RETARDATION; Genitopatellar syndrome (GPS). Identifiers: Orphanet 85201, MedGen C1853566, MONDO:0011640, OMIM 606170.

gnomAD v4.1: 30 of 1,614,044 alleles (0.0019%); highest among the groups gnomAD compares: Non-Finnish European, 0.0025%; no homozygotes.

Submission:

Labcorp Genetics (formerly Invitae), Labcorp
Classification: Uncertain significance for Genitopatellar syndrome. Last evaluated: 2025-01-06. Review status: criteria provided, single submitter. Criteria: Invitae Variant Classification Sherloc (09022015). Collection method: clinical testing. Allele origin: germline.
Comment: This sequence change replaces isoleucine, which is neutral and non-polar, with valine, which is neutral and non-polar, at codon 1943 of the KAT6B protein (p.Ile1943Val). This variant is present in population databases (rs768094076, gnomAD 0.004%). This variant has not been reported in the literature in individuals affected with KAT6B-related conditions. Invitae Evidence Modeling of protein sequence and biophysical properties (such as structural, functional, and spatial information, amino acid conservation, physicochemical variation, residue mobility, and thermodynamic stability) indicates that this missense variant is not expected to disrupt KAT6B protein function with a negative predictive value of 80%. In summary, the available evidence is currently insufficient to determine the role of this variant in disease. Therefore, it has been classified as a Variant of Uncertain Significance.

NM_012330.4(KAT6B):c.5827A>G (p.Ile1943Val)

Gene: KAT6B (lysine acetyltransferase 6B; plus strand). Cytogenetic location: 10q22.2.
Variant type: single nucleotide variant.
Coding change: c.5827A>G on transcript NM_012330.4 (MANE Select); coding-DNA position 5827, A replaced by G.
Protein change: p.Ile1943Val; replaces isoleucine 1943 with valine.
Molecular consequence: missense variant.
Genome position (GRCh38, 1-based): chr10:75,030,651, A>G. VCF-style: chr10-75030651-A-G. GRCh37 (hg19) VCF-style: chr10-76790409-A-G.
Other names: c.4951A>G, p.Ile1651Val (NM_001370139.1, NM_001370140.1, NM_001370141.1 and 2 more transcripts); c.4762A>G, p.Ile1588Val (NM_001370143.1, NM_001370144.1); c.5278A>G, p.Ile1760Val (NM_001256468.2, NM_001370138.1); c.4789A>G, p.Ile1597Val (NM_001370132.1); c.4138A>G, p.Ile1380Val (NM_001370133.1); c.3742A>G, p.Ile1248Val (NM_001370134.1); c.3484A>G, p.Ile1162Val (NM_001370135.1); c.5827A>G, p.Ile1943Val (NM_001370136.1, NM_001370137.1); short protein forms I1760V, I1943V, I1248V, I1588V, I1162V, I1380V, I1597V, I1651V.
Identifiers: ClinVar variation 3708061 (VCV003708061.2).